The following is an entry in ClinVar:

ClinVar aggregate classification (germline): Likely pathogenic (1 of 4 stars; one submission).

Conditions:
Charcot-Marie-Tooth disease type 2D (CMT2D). Also called: Charcot-Marie-Tooth Neuropathy Type 2D; GARS1 Adolescent- or Early Adult-Onset Hereditary Motor/Sensory Neuropathy (GARS1-HMSN); CHARCOT-MARIE-TOOTH DISEASE, AXONAL, TYPE 2D; CHARCOT-MARIE-TOOTH DISEASE, NEURONAL, TYPE 2D. Identifiers: Orphanet 99938, MedGen C1832274, MONDO:0011091, OMIM 601472.
Spinal muscular atrophy, infantile, James type. Also called: GARS1 Infantile-Onset Spinal Muscular Atrophy (GARS1-iSMA). Identifiers: MedGen C5436669, MONDO:0033621, OMIM 619042.
Neuronopathy, distal hereditary motor, type 5A (HMND5). Also called: Distal Spinal Muscular Atrophy V; Distal Spinal Muscular Atrophy V (dSMA-V); NEURONOPATHY, DISTAL HEREDITARY MOTOR, AUTOSOMAL DOMINANT 5; DHMN VA. Identifiers: Orphanet 139536, MedGen CN031873, MONDO:0015353, OMIM 600794.

Submission:

Juno Genomics, Hangzhou Juno Genomics, Inc
Classification: Likely pathogenic for Charcot-Marie-Tooth disease type 2D; Neuronopathy, distal hereditary motor, type 5A; Spinal muscular atrophy, infantile, James type. Review status: criteria provided, single submitter. Criteria: ACMG Guidelines, 2015. Collection method: clinical testing. Allele origin: germline.
Comment: Absent from controls (or at extremely low frequency if recessive) in Genome Aggregation Database.;Well-established in vitro or in vivo functional studies supportive of a damaging effect on the gene or gene product.;Co-segregation with disease in multiple affected family members.;Patient's phenotype or family history is highly specific for a disease with a single genetic etiology.

NM_002047.4(GARS1):c.999G>T (p.Glu333Asp)

Gene: GARS1 (glycyl-tRNA synthetase 1; plus strand). Cytogenetic location: 7p14.3.
Variant type: single nucleotide variant.
Coding change: c.999G>T on transcript NM_002047.4 (MANE Select); coding-DNA position 999, G replaced by T.
Protein change: p.Glu333Asp; replaces glutamic acid 333 with aspartic acid.
Molecular consequence: missense variant.
Genome position (GRCh38, 1-based): chr7:30,612,213, G>T. VCF-style: chr7-30612213-G-T. GRCh37 (hg19) VCF-style: chr7-30651829-G-T.
Other names: c.837G>T, p.Glu279Asp (NM_001316772.1); short protein forms E279D, E333D.
Identifiers: ClinVar variation 5007204 (VCV005007204.2).
Genomic context (GRCh38, chr7:30,612,213, plus strand): 5'-GTTCAACCAAGGAAAGTTGCCTTTTGCTGCTGCCCAGATTGGAAATTCTTTTAGAAATGA[G>T]ATCTCCCCTCGATCTGGACTGATCAGAGTCAGGTACTGCTCAGGTTACTCTTACAAATTA-3'
Protein context (NP_002038.2, residues 323-343): AAQIGNSFRN[Glu333Asp]ISPRSGLIRV